The following is an entry in ClinVar:

NM_001853.4(COL9A3):c.1832T>C (p.Leu611Pro)

Gene: COL9A3 (collagen type IX alpha 3 chain; plus strand). Cytogenetic location: 20q13.33.
Variant type: single nucleotide variant.
Coding change: c.1832T>C on transcript NM_001853.4 (MANE Select); coding-DNA position 1832, T replaced by C.
Protein change: p.Leu611Pro; replaces leucine 611 with proline.
Molecular consequence: missense variant.
Genome position (GRCh38, 1-based): chr20:62,838,729, T>C. VCF-style: chr20-62838729-T-C. GRCh37 (hg19) VCF-style: chr20-61470081-T-C.
Other names: short protein forms L611P.
Identifiers: ClinVar variation 2119158 (VCV002119158.4), dbSNP rs142238516, ClinGen allele CA9950220.
Genomic context (GRCh38, chr20:62,838,729, plus strand): 5'-CACACCTCGTGACAGGAAACCAGGGTGACAGAGGAGACAAAGGCGCGGCAGGAGCAGGGC[T>C]GGACGGGCCTGAAGGAGACCAGGGGCCCCAAGGTACGAGTCCACGGCCAGCAAGGCTTCA-3'
Protein context (NP_001844.3, residues 601-621): RGDKGAAGAG[Leu611Pro]DGPEGDQGPQ

ClinVar aggregate classification (germline): Uncertain significance (1 of 4 stars; one submission).

Allele frequency attached by ClinVar (database versions not stated): TOPMed below 0.00001; ExAC 0.00005; ESP Exome Variant Server 0.00008.

Submission:

Labcorp Genetics (formerly Invitae), Labcorp
Classification: Uncertain significance. Last evaluated: 2022-10-05. Review status: criteria provided, single submitter. Criteria: Invitae Variant Classification Sherloc (09022015). Collection method: clinical testing. Allele origin: germline.
Comment: This variant is not present in population databases (gnomAD no frequency). This sequence change replaces leucine, which is neutral and non-polar, with proline, which is neutral and non-polar, at codon 611 of the COL9A3 protein (p.Leu611Pro). This variant has not been reported in the literature in individuals affected with COL9A3-related conditions. Advanced modeling of protein sequence and biophysical properties (such as structural, functional, and spatial information, amino acid conservation, physicochemical variation, residue mobility, and thermodynamic stability) performed at Invitae indicates that this missense variant is not expected to disrupt COL9A3 protein function. In summary, the available evidence is currently insufficient to determine the role of this variant in disease. Therefore, it has been classified as a Variant of Uncertain Significance.